The following is an entry in ClinVar:

NM_002691.4(POLD1):c.1776-18C>T

Gene: POLD1 (DNA polymerase delta 1, catalytic subunit; plus strand). Cytogenetic location: 19q13.33.
Variant type: single nucleotide variant.
Coding change: c.1776-18C>T on transcript NM_002691.4 (MANE Select); 18 bases into the intron before coding-DNA position 1776, C replaced by T.
Molecular consequence: intron variant. On other transcripts: synonymous variant (1).
Genome position (GRCh38, 1-based): chr19:50,408,767, C>T. VCF-style: chr19-50408767-C-T. GRCh37 (hg19) VCF-style: chr19-50912024-C-T.
Other names: c.1776-18C>T (LRG_785t1, NM_001256849.1); c.1836C>T, p.Arg612= (NM_001308632.1, LRG_785t2).
Identifiers: ClinVar variation 371965 (VCV000371965.12), dbSNP rs775669198, ClinGen allele CA9596278.
Genomic context (GRCh38, chr19:50,408,767, plus strand): 5'-GGTGAGGCCACAAGACAGGGCGGGGGCGGCATGGGAACTCCTAGCCCTGACTCCCGGCCG[C>T]GGCTGCTCCCCTCCCAGGTACTACGACGTCCCCATCGCCACCCTGGACTTCTCCTCGCTG-3'

ClinVar aggregate classification (germline): Likely benign. Review status: criteria provided, multiple submitters, no conflicts (2 of 4 stars). 4 submissions from 4 submitters: Likely benign (3). 1 of the submissions does not count toward it. Last evaluated 2026-01-31.

Conditions:
POLD1-related polyposis and colorectal cancer syndrome (CRCS10). Also called: Colorectal cancer, susceptibility to, 10; Colorectal cancer 10; COLORECTAL CANCER, SUSCEPTIBILITY TO, ON CHROMOSOME 19q. Identifiers: Orphanet 220460, MedGen C2675481, MONDO:0012953, OMIM 612591.
POLD1-related disorder. Also called: POLD1-related disorders; POLD1-related condition.

Allele frequency attached by ClinVar (database versions not stated): gnomAD exomes 0.00001 and 0.00003; ExAC 0.00002; gnomAD 0.00002 and 0.00003.
gnomAD v4.1: 28 of 1,613,028 alleles (0.0017%); highest among the groups gnomAD compares: South Asian, 0.0088%; no homozygotes.

Submissions (4):

Labcorp Genetics (formerly Invitae), Labcorp
Classification: Likely benign for POLD1-related polyposis and colorectal cancer syndrome. Last evaluated: 2026-01-31. Review status: criteria provided, single submitter. Criteria: Invitae Variant Classification Sherloc (09022015). Collection method: clinical testing. Allele origin: germline.

Center for Genomic Medicine, Rigshospitalet, Copenhagen University Hospital
Classification: Likely benign. Last evaluated: 2025-12-29. Review status: criteria provided, single submitter. Criteria: ACMG Guidelines, 2015. Collection method: clinical testing. Allele origin: germline.

PreventionGenetics, part of Exact Sciences
Classification: Likely benign for POLD1-related condition. Last evaluated: 2025-01-01. Review status: criteria provided, single submitter. Criteria: ACMG Guidelines, 2015. Collection method: clinical testing. Allele origin: germline.
Comment: This variant is classified as likely benign based on ACMG/AMP sequence variant interpretation guidelines (Richards et al. 2015 PMID: 25741868, with internal and published modifications).

Counsyl
Classification: Likely benign for POLD1-related polyposis and colorectal cancer syndrome. Last evaluated: 2016-09-13. Review status: no assertion criteria provided. Collection method: clinical testing. Allele origin: unknown. Not counted in ClinVar's aggregate classification.